The following is an entry in ClinVar:

NM_000051.4(ATM):c.3514del (p.Ala1172fs)

Gene: ATM (ATM serine/threonine kinase; plus strand). Cytogenetic location: 11q22.3.
Variant type: Deletion.
Coding change: c.3514del on transcript NM_000051.4 (MANE Select); coding-DNA position 3514, one base deleted (G; older notation c.3514delG).
Protein change: p.Ala1172fs; shifts the reading frame from alanine 1172.
Molecular consequence: frameshift variant.
Genome position (GRCh38, 1-based): chr11:108,281,106, G deleted; the last of 2 consecutive G bases (chr11:108,281,105-108,281,106); deleting either gives the same sequence. VCF-style (leftmost placement, unchanged base first): chr11-108281104-AG-A. GRCh37 (hg19) VCF-style: chr11-108151831-AG-A.
Other names: c.3514del, p.Ala1172fs (NM_001351834.2); short protein forms A1172fs.
Identifiers: ClinVar variation 1732192 (VCV001732192.4), dbSNP rs2546870889, ClinGen allele CA2580083220.

ClinVar aggregate classification (germline): Pathogenic. Review status: criteria provided, multiple submitters, no conflicts (2 of 4 stars). 2 submissions from 2 submitters: Pathogenic (2). Last evaluated 2025-01-22.

Conditions:
Hereditary cancer-predisposing syndrome. Also called: Neoplastic Syndromes, Hereditary; Tumor predisposition; Hereditary Cancer Syndrome; Hereditary neoplastic syndrome. Identifiers: Orphanet 140162, MedGen C0027672, MeSH D009386, MONDO:0015356.
Ataxia-telangiectasia syndrome (AT). Also called: LOUIS-BAR SYNDROME; Cerebello-oculocutaneous telangiectasia; Immunodeficiency with ataxia telangiectasia; Ataxia-telangiectasia, complementation group D; AT, COMPLEMENTATION GROUP C; ATAXIA-TELANGIECTASIA, COMPLEMENTATION GROUP A. Identifiers: Orphanet 100, MedGen C0004135, MONDO:0008840, OMIM 208900.

Submissions (2):

Labcorp Genetics (formerly Invitae), Labcorp
Classification: Pathogenic for Ataxia-telangiectasia syndrome. Last evaluated: 2025-01-22. Review status: criteria provided, single submitter. Criteria: Invitae Variant Classification Sherloc (09022015). Collection method: clinical testing. Allele origin: germline.
Comment: This sequence change creates a premature translational stop signal (p.Ala1172Leufs*9) in the ATM gene. It is expected to result in an absent or disrupted protein product. Loss-of-function variants in ATM are known to be pathogenic (PMID: 23807571, 25614872). This variant is not present in population databases (gnomAD no frequency). This variant has not been reported in the literature in individuals affected with ATM-related conditions. ClinVar contains an entry for this variant (Variation ID: 1732192). RNA analysis performed to evaluate the impact of this premature translational stop signal on mRNA splicing indicates it does not significantly alter splicing (internal data). For these reasons, this variant has been classified as Pathogenic.

Ambry Genetics
Classification: Pathogenic for Hereditary cancer-predisposing syndrome. Last evaluated: 2021-02-11. Review status: criteria provided, single submitter. Criteria: Ambry Variant Classification Scheme 2023. Collection method: clinical testing. Allele origin: germline.
Comment: The c.3514delG pathogenic mutation, located in coding exon 23 of the ATM gene, results from a deletion of one nucleotide at nucleotide position 3514, causing a translational frameshift with a predicted alternate stop codon (p.A1172Lfs*9). This variant was not reported in population-based cohorts in the Genome Aggregation Database (gnomAD). This alteration is expected to result in loss of function by premature protein truncation or nonsense-mediated mRNA decay. As such, this alteration is interpreted as a disease-causing mutation.

Literature cited by the submitters: PubMed 23807571 (cited by Labcorp Genetics (formerly Invitae), Labcorp); PubMed 25614872 (cited by Labcorp Genetics (formerly Invitae), Labcorp).